The following is an entry in ClinVar:

NM_001846.4(COL4A2):c.4881+6T>A

Gene: COL4A2 (collagen type IV alpha 2 chain; plus strand). Cytogenetic location: 13q34.
Variant type: single nucleotide variant.
Coding change: c.4881+6T>A on transcript NM_001846.4 (MANE Select); 6 bases into the intron after coding-DNA position 4881, T replaced by A.
Molecular consequence: intron variant.
Genome position (GRCh38, 1-based): chr13:110,508,227, T>A. VCF-style: chr13-110508227-T-A. GRCh37 (hg19) VCF-style: chr13-111160574-T-A.
Identifiers: ClinVar variation 1806671 (VCV001806671.1), dbSNP rs2502218128, ClinGen allele CA2580087169.

ClinVar aggregate classification (germline): Uncertain significance (1 of 4 stars; one submission).

Submission:

GeneDx
Classification: Uncertain significance. Last evaluated: 2022-06-22. Review status: criteria provided, single submitter. Criteria: GeneDx Variant Classification Process June 2021. Collection method: clinical testing. Allele origin: germline. Affected: yes.
Comment: Not observed at significant frequency in large population cohorts (gnomAD); In silico analysis supports a deleterious effect on splicing; Has not been previously published as pathogenic or benign to our knowledge